The following is an entry in ClinVar:

ClinVar aggregate classification (germline): Pathogenic (1 of 4 stars; one submission).

Conditions:
Rauch-Steindl syndrome (RAUST). Identifiers: Orphanet 659642, MedGen C5562061, MONDO:0859219, OMIM 619695.

Submission:

Variantyx, Inc.
Classification: Pathogenic for Rauch-Steindl syndrome. Last evaluated: 2025-08-25. Review status: criteria provided, single submitter. Criteria: Variantyx Assertion Criteria 2022. Collection method: clinical testing. Allele origin: de novo. Inheritance: Autosomal dominant inheritance. Affected: yes.
Comment: This is a nonsense variant in the NSD2 gene (OMIM: 602952). Pathogenic variants in this gene have been associated with autosomal dominant Rauch-Steindl syndrome. This variant introduces a premature termination codon in exon 5 out of 22 and is expected to result in loss of function, which is a known disease mechanism for NSD2 in this disorder (PMID: 31171569, 30345613, 30244530, 29760529) (PVS1). This variant is absent from control populations (PM2) and has not been reported in individuals with NSD2-related disorders in the databases available for review. Based on the current evidence, this variant is classified as pathogenic for autosomal dominant Rauch-Steindl syndrome.

Literature cited by the submitters: PubMed 31171569; PubMed 30345613; PubMed 30244530; PubMed 29760529.

NM_001042424.3(NSD2):c.1054C>T (p.Gln352Ter)

Gene: NSD2 (nuclear receptor binding SET domain protein 2; plus strand). Cytogenetic location: 4p16.3.
Variant type: single nucleotide variant.
Coding change: c.1054C>T on transcript NM_001042424.3 (MANE Select); coding-DNA position 1054, C replaced by T.
Protein change: p.Gln352Ter; replaces glutamine 352 with a stop codon.
Molecular consequence: nonsense.
Genome position (GRCh38, 1-based): chr4:1,918,267, C>T. VCF-style: chr4-1918267-C-T. GRCh37 (hg19) VCF-style: chr4-1919994-C-T.
Other names: c.1054C>T, p.Gln352Ter (NM_001440892.1, NM_001440894.1, NM_001440895.1 and 8 more transcripts); c.1153C>T, p.Gln385Ter (NM_001440893.1); c.85C>T, p.Gln29Ter (NM_001440899.1, NM_001440900.1); short protein forms Q29*, Q352*, Q385*.
Identifiers: ClinVar variation 4813726 (VCV004813726.1).
Genomic context (GRCh38, chr4:1,918,267, plus strand): 5'-GCTGCAAGCATGTCAGTGGAGGAGCGGAAAGCCAAGTTCACCTTTCTCTATGTGGGGGAC[C>T]AGCTTCATCTCAACCCTCAAGTAGCCAAGGAGGCTGGCATTGCTGCAGAGTCTTTGGGAG-3'